The following is an entry in ClinVar:

NM_000518.4(HBB):c.68A>C (p.Glu23Ala)

Genes: HBB (hemoglobin subunit beta; minus strand), LOC106099062 (HBB recombination region; plus strand), LOC107133510 (origin of replication at HBB; plus strand). Cytogenetic location: 11p15.4.
Variant type: single nucleotide variant.
Coding change: c.68A>C on transcript NM_000518.4; coding-DNA position 68, A replaced by C.
Protein change: p.Glu23Ala; replaces glutamic acid 23 with alanine.
Molecular consequence: missense variant (on NM_000518.5).
Genome position (GRCh38, 1-based): chr11:5,226,954, T>G on the plus strand (A>C on the coding strand, the complement: HBB is on the minus strand). VCF-style: chr11-5226954-T-G. GRCh37 (hg19) VCF-style: chr11-5248184-T-G.
Other names: E22A; c.68A>C, p.Glu23Ala (NM_000518.5); short protein forms E23A.
Identifiers: ClinVar variation 15171 (VCV000015171.31), dbSNP rs33936254, ClinGen allele CA124853.

ClinVar aggregate classification (germline): Conflicting classifications of pathogenicity. Review status: criteria provided, conflicting classifications (1 of 4 stars). 10 submissions from 7 submitters: Uncertain significance (2); Benign (1); Likely benign (2). 5 of the submissions do not count toward it. Last evaluated 2025-10-20.

Conditions:
beta Thalassemia (BTHAL). Also called: Cooley's anemia; Erythroblastic anemia; Mediterranean anemia. Identifiers: Orphanet 848, MedGen C0005283, MONDO:0019402. Disease mechanism: loss of function.
HEMOGLOBIN G (SASKATOON).
HEMOGLOBIN G (HSIN-CHU).
HEMOGLOBIN G (TAEGU).
HEMOGLOBIN G (COUSHATTA).

Allele frequency attached by ClinVar (database versions not stated): ExAC 0.00002; gnomAD exomes 0.00001; TOPMed 0.00001; gnomAD 0.00001.
gnomAD v4.1: 6 of 1,613,702 alleles (0.00037%); highest among the groups gnomAD compares: South Asian, 0.0033%; no homozygotes.

Submissions (10):

Quest Diagnostics Nichols Institute San Juan Capistrano
Classification: Uncertain significance. Last evaluated: 2025-10-20. Review status: criteria provided, single submitter. Criteria: Quest Diagnostics criteria. Collection method: clinical testing. Allele origin: unknown.
Comment: The HBB c.68A>C (p.Glu23Ala) variant has been reported in the published literature in individuals, both heterozygous and homozygous, with normal clinical presentation ((HbVar, PMID: 27408413 (2016), and Ann Clin Case Rep (2017) 2:1353). The variant has also been reported in individuals with beta thalassemia and/or hemoglobin disorders (PMIDs: 23001606 (2013), 25849334 (2015), 37188672 (2023), and Quest internal patients). The frequency of this variant in the general population (Genome Aggregation Database) is uninformative in the assessment of its pathogenicity. Analysis of this variant using bioinformatics tools for the prediction of the effect of amino acid changes on protein structure and function yielded conflicting predictions that this variant is deleterious or benign. Based on the available information, we are unable to determine the clinical significance of this variant.

ARUP Laboratories, Molecular Genetics and Genomics, ARUP Laboratories
Classification: Likely benign. Last evaluated: 2025-04-07. Review status: criteria provided, single submitter. Criteria: ARUP Molecular Germline Variant Investigation Process 2024. Collection method: clinical testing. Allele origin: germline.

Women's Health and Genetics/Laboratory Corporation of America, LabCorp
Classification: Likely benign. Last evaluated: 2025-01-21. Review status: criteria provided, single submitter. Criteria: LabCorp Variant Classification Summary - May 2015. Collection method: clinical testing. Allele origin: germline.
Comment: Variant summary: HBB c.68A>C (p.Glu23Ala) results in a non-conservative amino acid change in the encoded protein sequence. Four of five in-silico tools predict a benign effect of the variant on protein function. The variant allele was found at a frequency of 8.4e-05 in 676170 control chromosomes (gnomAD and publications). This frequency is not significantly higher than estimated for a pathogenic variant in HBB causing Hemoglobinopathy (8.4e-05 vs 0.011), allowing no conclusion about variant significance. c.68A>C has been reported in the literature in healthy Native American, East Asian, Turkish, Egyptian, and Sri Lankan individuals in the heterozygous or homozygous state, suggesting that the variant is benign (e.g. Schneider_1964, Ohba_1978, Cao_1987, Li_1990, Hergersberg_2008, HbVar database). It has also been found to co-occur in cis and in trans with pathogenic beta-thalassemia variants (e.g. c.93-21G>A, IVS-1-1, G>A, and IVS-I-5) in patients, however in these cases it was believed to have little to no clinical impact (e.g. Hergersberg_2008, Koseler_2013, Perera_2015) . These data indicate that the variant is unlikely to be associated with disease. Additionally, a functional study has shown the variant to have normal oxygen equilibrium characteristics, and heat denaturation and isopropanol tests on hemolysates did not reveal instability of the hemoglobin, suggesting that the variant has a neutral effect on protein function (Ohba_1978). The following publications have been ascertained in the context of this evaluation (PMID: 18523401, 5791015, 5658717, 3115700, 2703366, 9048934, 19429541, 18619001, 6859036, 23001606, 2265836, 10081986, 23806067, 721611, 25572187, 18403562, 31553106, 14081243, 37188672, 27265760). ClinVar contains an entry for this variant (Variation ID: 15171). Based on the evidence outlined above, the variant was classified as likely benign.

GeneDx
Classification: Uncertain significance. Last evaluated: 2023-12-11. Review status: criteria provided, single submitter. Criteria: GeneDx Variant Classification Process June 2021. Collection method: clinical testing. Allele origin: germline. Affected: yes.
Comment: In silico analysis supports that this missense variant has a deleterious effect on protein structure/function; Also known as Hb G-Coushatta; This variant is associated with the following publications: (PMID: 23001606, 9048934, 34426522, 6033745, 29717566, 31553106, 19429541, 25572187, 6021187, 3115700, 18619001, 23806067, 5658717, 30568544, 34766575, 5791015, 31300739, 37188672, 14081243, 721611, 2703366, 28865746, 10081986)

Mendelics
Classification: Benign for Beta-thalassemia HBB/LCRB. Last evaluated: 2019-05-28. Review status: criteria provided, single submitter. Criteria: Mendelics Assertion Criteria 2017. Collection method: clinical testing. Allele origin: unknown.

OMIM
Classification: other for HEMOGLOBIN G (COUSHATTA). Last evaluated: 2017-12-12. Review status: no assertion criteria provided. Collection method: literature only. Allele origin: germline. Not counted in ClinVar's aggregate classification.

OMIM
Classification: other for HEMOGLOBIN G (SASKATOON). Last evaluated: 2017-12-12. Review status: no assertion criteria provided. Collection method: literature only. Allele origin: germline. Not counted in ClinVar's aggregate classification.

OMIM
Classification: other for HEMOGLOBIN G (HSIN-CHU). Last evaluated: 2017-12-12. Review status: no assertion criteria provided. Collection method: literature only. Allele origin: germline. Not counted in ClinVar's aggregate classification.

OMIM
Classification: other for HEMOGLOBIN G (TAEGU). Last evaluated: 2017-12-12. Review status: no assertion criteria provided. Collection method: literature only. Allele origin: germline. Not counted in ClinVar's aggregate classification.

Center for Pediatric Genomic Medicine, Children's Mercy Hospital and Clinics
Classification: Pathogenic. Last evaluated: 2016-05-19. Review status: flagged submission. Criteria: ACMG Guidelines, 2015. Collection method: clinical testing. Allele origin: de novo. Not counted in ClinVar's aggregate classification.
ClinVar note: Reason: Outlier claim with insufficient supporting evidence

Literature cited by the submitters: PubMed 23001606 (cited by Quest Diagnostics Nichols Institute San Juan Capistrano and Women's Health and Genetics/Laboratory Corporation of America, LabCorp); PubMed 34426522 (cited by Quest Diagnostics Nichols Institute San Juan Capistrano); PubMed 29717566 (cited by Quest Diagnostics Nichols Institute San Juan Capistrano); PubMed 31553106 (cited by Quest Diagnostics Nichols Institute San Juan Capistrano and Women's Health and Genetics/Laboratory Corporation of America, LabCorp); PubMed 37188672 (cited by Quest Diagnostics Nichols Institute San Juan Capistrano and Women's Health and Genetics/Laboratory Corporation of America, LabCorp); PubMed 25849334 (cited by Quest Diagnostics Nichols Institute San Juan Capistrano); PubMed 27207683 (cited by Quest Diagnostics Nichols Institute San Juan Capistrano); PubMed 11857738 (cited by Quest Diagnostics Nichols Institute San Juan Capistrano); PubMed 25669128 (cited by Quest Diagnostics Nichols Institute San Juan Capistrano); PubMed 27408413 (cited by Quest Diagnostics Nichols Institute San Juan Capistrano); PubMed 19429541 (cited by Quest Diagnostics Nichols Institute San Juan Capistrano and Women's Health and Genetics/Laboratory Corporation of America, LabCorp); PubMed 10081986 (cited by Women's Health and Genetics/Laboratory Corporation of America, LabCorp); PubMed 9048934 (cited by Women's Health and Genetics/Laboratory Corporation of America, LabCorp); PubMed 2703366 (cited by Women's Health and Genetics/Laboratory Corporation of America, LabCorp and OMIM); PubMed 5791015 (cited by Women's Health and Genetics/Laboratory Corporation of America, LabCorp and OMIM); PubMed 18403562 (cited by Women's Health and Genetics/Laboratory Corporation of America, LabCorp); PubMed 14081243 (cited by Women's Health and Genetics/Laboratory Corporation of America, LabCorp); PubMed 721611 (cited by Women's Health and Genetics/Laboratory Corporation of America, LabCorp and OMIM); PubMed 2265836 (cited by Women's Health and Genetics/Laboratory Corporation of America, LabCorp); PubMed 5658717 (cited by Women's Health and Genetics/Laboratory Corporation of America, LabCorp); PubMed 6859036 (cited by Women's Health and Genetics/Laboratory Corporation of America, LabCorp); PubMed 18523401 (cited by Women's Health and Genetics/Laboratory Corporation of America, LabCorp); PubMed 3115700 (cited by Women's Health and Genetics/Laboratory Corporation of America, LabCorp); PubMed 23806067 (cited by Women's Health and Genetics/Laboratory Corporation of America, LabCorp); PubMed 25572187 (cited by Women's Health and Genetics/Laboratory Corporation of America, LabCorp); PubMed 18619001 (cited by Women's Health and Genetics/Laboratory Corporation of America, LabCorp); PubMed 27265760 (cited by Women's Health and Genetics/Laboratory Corporation of America, LabCorp); PubMed 1052173 (cited by OMIM); PubMed 6033745 (cited by OMIM); PubMed 6021187 (cited by OMIM); PubMed 6054484 (cited by OMIM); PubMed 5129589 (cited by OMIM); PubMed 7204096 (cited by OMIM).